The following is an entry in ClinVar:

ClinVar aggregate classification (germline): Uncertain significance (1 of 4 stars; one submission).

Submission:

Labcorp Genetics (formerly Invitae), Labcorp
Classification: Uncertain significance. Last evaluated: 2023-11-06. Review status: criteria provided, single submitter. Criteria: Invitae Variant Classification Sherloc (09022015). Collection method: clinical testing. Allele origin: unknown.
Comment: This variant results in a copy number gain of the genomic region encompassing exon(s) 12-13 of the NALCN gene. While the exact position of this variant cannot be determined from the data, sub-genic copy number gains are generally in tandem (PMID: 25640679). This variant is predicted to be in-frame, and likely preserves the integrity of the reading frame. This variant has not been reported in the literature in individuals affected with NALCN-related conditions. Experimental studies and prediction algorithms are not available or were not evaluated, and the functional significance of this variant is currently unknown. In summary, the available evidence is currently insufficient to determine the role of this variant in disease. Therefore, it has been classified as a Variant of Uncertain Significance.

Literature cited by the submitters: PubMed 25640679.

NC_000013.10:g.(?_101881724)_(101890293_?)dup

Gene: NALCN (sodium leak channel, non-selective; minus strand). Cytogenetic location: 13q33.1.
Variant type: Duplication.
Identifiers: ClinVar variation 3244226 (VCV003244226.1).